The following is an entry in ClinVar:

NM_001164508.2(NEB):c.23016+3A>G

Genes: NEB (nebulin; minus strand), RIF1 (replication timing regulatory factor 1; plus strand). Cytogenetic location: 2q23.3.
Variant type: single nucleotide variant.
Coding change: c.23016+3A>G on transcript NM_001164508.2 (MANE Select); 3 bases into the intron after coding-DNA position 23016, A replaced by G.
Molecular consequence: intron variant.
Genome position (GRCh38, 1-based): chr2:151,514,815, T>C on the plus strand (A>G on the coding strand, the complement: NEB is on the minus strand). VCF-style: chr2-151514815-T-C. GRCh37 (hg19) VCF-style: chr2-152371329-T-C.
Other names: c.17913+3A>G (NM_004543.5); c.23016+3A>G (NM_001164507.2); c.23121+3A>G (NM_001271208.2).
Identifiers: ClinVar variation 1424599 (VCV001424599.3), dbSNP rs1194138148, ClinGen allele CA758873278.

ClinVar aggregate classification (germline): Uncertain significance (1 of 4 stars; one submission).

Conditions:
Nemaline myopathy 2 (NEM2). Also called: Nemaline myopathy 2, autosomal recessive. Identifiers: MedGen C1850569, MONDO:0009725, OMIM 256030.

Allele frequency attached by ClinVar (database versions not stated): TOPMed below 0.00001; gnomAD 0.00001.

Submission:

Labcorp Genetics (formerly Invitae), Labcorp
Classification: Uncertain significance for Nemaline myopathy 2. Last evaluated: 2021-08-14. Review status: criteria provided, single submitter. Criteria: Invitae Variant Classification Sherloc (09022015). Collection method: clinical testing. Allele origin: germline.
Comment: This sequence change falls in intron 159 of the NEB gene. It does not directly change the encoded amino acid sequence of the NEB protein, but it affects a nucleotide within the consensus splice site of the intron. This variant is not present in population databases (ExAC no frequency). This variant has not been reported in the literature in individuals with NEB-related conditions. Nucleotide substitutions within the consensus splice site are a relatively common cause of aberrant splicing (PMID: 17576681, 9536098). Algorithms developed to predict the effect of sequence changes on RNA splicing suggest that this variant may disrupt the consensus splice site, but this prediction has not been confirmed by published transcriptional studies. In summary, the available evidence is currently insufficient to determine the role of this variant in disease. Therefore, it has been classified as a Variant of Uncertain Significance.

Literature cited by the submitters: PubMed 17576681; PubMed 9536098.